The following is an entry in ClinVar:

ClinVar aggregate classification (germline): Conflicting classifications of pathogenicity. Review status: criteria provided, conflicting classifications (1 of 4 stars). 2 submissions from 2 submitters: Uncertain significance (1); Likely benign (1). Last evaluated 2024-08-29.

Conditions:
Cardiomyopathy (CMYO). Also called: Cardiomyopathies. Identifiers: Orphanet 167848, MedGen C0878544, MONDO:0004994, HP:0001638. Inheritance: Various modes of inheritance.
Arrhythmogenic right ventricular dysplasia 10. Also called: Arrhythmogenic Right Ventricular Dysplasia/Cardiomyopathy10; ARRHYTHMOGENIC RIGHT VENTRICULAR DYSPLASIA, FAMILIAL, 10; Arrhythmogenic right ventricular dysplasia/cardiomyopathy, type 10. Identifiers: MedGen C1857777, MONDO:0012434, OMIM 610193.

gnomAD v4.1: 6 of 1,614,184 alleles (0.00037%); highest among the groups gnomAD compares: Non-Finnish European, 0.00051%; no homozygotes.

Submissions (2):

Color Diagnostics, LLC DBA Color Health
Classification: Likely benign for Cardiomyopathy. Last evaluated: 2024-08-29. Review status: criteria provided, single submitter. Criteria: ACMG Guidelines, 2015. Collection method: clinical testing. Allele origin: germline.

Labcorp Genetics (formerly Invitae), Labcorp
Classification: Uncertain significance for Arrhythmogenic right ventricular dysplasia 10. Last evaluated: 2023-08-20. Review status: criteria provided, single submitter. Criteria: Invitae Variant Classification Sherloc (09022015). Collection method: clinical testing. Allele origin: germline.
Comment: In summary, the available evidence is currently insufficient to determine the role of this variant in disease. Therefore, it has been classified as a Variant of Uncertain Significance. Advanced modeling of protein sequence and biophysical properties (such as structural, functional, and spatial information, amino acid conservation, physicochemical variation, residue mobility, and thermodynamic stability) performed at Invitae indicates that this missense variant is not expected to disrupt DSG2 protein function. ClinVar contains an entry for this variant (Variation ID: 922117). This variant has not been reported in the literature in individuals affected with DSG2-related conditions. This variant is not present in population databases (gnomAD no frequency). This sequence change replaces histidine, which is basic and polar, with arginine, which is basic and polar, at codon 425 of the DSG2 protein (p.His425Arg).

NM_001943.5(DSG2):c.1274A>G (p.His425Arg)

Gene: DSG2 (desmoglein 2; plus strand). Cytogenetic location: 18q12.1.
Variant type: single nucleotide variant.
Coding change: c.1274A>G on transcript NM_001943.5 (MANE Select); coding-DNA position 1274, A replaced by G.
Protein change: p.His425Arg; replaces histidine 425 with arginine.
Molecular consequence: missense variant.
Genome position (GRCh38, 1-based): chr18:31,531,246, A>G. VCF-style: chr18-31531246-A-G. GRCh37 (hg19) VCF-style: chr18-29111209-A-G.
Other names: short protein forms H425R.
Identifiers: ClinVar variation 922117 (VCV000922117.6), dbSNP rs746180213, ClinGen allele CA402139670.
Genomic context (GRCh38, chr18:31,531,246, plus strand): 5'-GCAAAGGCCAAATAATTGGAAATTTTCAAGCTTTTGATGAGGACACTGGACTACCAGCCC[A>G]TGCAAGGTAAGAGAGAGTGACACGTGTATTTCTTTATTTTAAATTATTTTCAGTGCCTAT-3'
Protein context (NP_001934.2, residues 415-435): AFDEDTGLPA[His425Arg]ARYVKLEDRD